The following is an entry in ClinVar:

ClinVar aggregate classification (germline): Uncertain significance (1 of 4 stars; one submission).

Allele frequency attached by ClinVar (database versions not stated): gnomAD exomes below 0.00001; ExAC 0.00001.
gnomAD v4.1: 1 of 1,614,106 alleles (0.000062%); highest among the groups gnomAD compares: Non-Finnish European, 0.000085%; no homozygotes.

Submission:

Labcorp Genetics (formerly Invitae), Labcorp
Classification: Uncertain significance. Last evaluated: 2023-06-23. Review status: criteria provided, single submitter. Criteria: Invitae Variant Classification Sherloc (09022015). Collection method: clinical testing. Allele origin: germline.
Comment: This sequence change affects codon 158 of the ADNP mRNA. It is a 'silent' change, meaning that it does not change the encoded amino acid sequence of the ADNP protein. This variant is present in population databases (rs760174070, gnomAD 0.0009%). This variant has not been reported in the literature in individuals affected with ADNP-related conditions. In summary, the available evidence is currently insufficient to determine the role of this variant in disease. Therefore, it has been classified as a Variant of Uncertain Significance.

NM_001282531.3(ADNP):c.474C>T (p.Asp158=)

Gene: ADNP (activity dependent neuroprotector homeobox; minus strand). Cytogenetic location: 20q13.13.
Variant type: single nucleotide variant.
Coding change: c.474C>T on transcript NM_001282531.3 (MANE Select); coding-DNA position 474, C replaced by T.
Protein change: p.Asp158=; no amino-acid change (aspartic acid 158 retained).
Molecular consequence: synonymous variant.
Genome position (GRCh38, 1-based): chr20:50,894,240, G>A on the plus strand (C>T on the coding strand, the complement: ADNP is on the minus strand). VCF-style: chr20-50894240-G-A. GRCh37 (hg19) VCF-style: chr20-49510777-G-A.
Other names: c.474C>T, p.Asp158= (NM_001282532.2, NM_001347511.2, NM_015339.5 and 1 more transcripts).
Identifiers: ClinVar variation 2869952 (VCV002869952.3), dbSNP rs760174070, ClinGen allele CA9908874.